The following is an entry in ClinVar:

ClinVar aggregate classification (germline): Uncertain significance (1 of 4 stars; one submission).

Submission:

Labcorp Genetics (formerly Invitae), Labcorp
Classification: Uncertain significance. Last evaluated: 2024-05-21. Review status: criteria provided, single submitter. Criteria: Invitae Variant Classification Sherloc (09022015). Collection method: clinical testing. Allele origin: germline.
Comment: This sequence change replaces cysteine, which is neutral and slightly polar, with arginine, which is basic and polar, at codon 317 of the EFTUD2 protein (p.Cys317Arg). This variant is not present in population databases (gnomAD no frequency). This variant has not been reported in the literature in individuals affected with EFTUD2-related conditions. Advanced modeling of protein sequence and biophysical properties (such as structural, functional, and spatial information, amino acid conservation, physicochemical variation, residue mobility, and thermodynamic stability) performed at Invitae indicates that this missense variant is expected to disrupt EFTUD2 protein function with a positive predictive value of 80%. In summary, the available evidence is currently insufficient to determine the role of this variant in disease. Therefore, it has been classified as a Variant of Uncertain Significance.

NM_004247.4(EFTUD2):c.949T>C (p.Cys317Arg)

Gene: EFTUD2 (elongation factor Tu GTP binding domain containing 2; minus strand). Cytogenetic location: 17q21.31.
Variant type: single nucleotide variant.
Coding change: c.949T>C on transcript NM_004247.4 (MANE Select); coding-DNA position 949, T replaced by C.
Protein change: p.Cys317Arg; replaces cysteine 317 with arginine.
Molecular consequence: missense variant.
Genome position (GRCh38, 1-based): chr17:44,872,491, A>G on the plus strand (T>C on the coding strand, the complement: EFTUD2 is on the minus strand). VCF-style: chr17-44872491-A-G. GRCh37 (hg19) VCF-style: chr17-42949859-A-G.
Other names: c.844T>C, p.Cys282Arg (NM_001142605.2); c.949T>C, p.Cys317Arg (NM_001258353.2); c.919T>C, p.Cys307Arg (NM_001258354.2); short protein forms C282R, C307R, C317R.
Identifiers: ClinVar variation 3646928 (VCV003646928.2).